The following is an entry in ClinVar:

NM_017534.6(MYH2):c.985C>T (p.Gln329Ter)

Genes: MYH2 (myosin heavy chain 2; minus strand), MYHAS (myosin heavy chain gene cluster antisense RNA; plus strand). Cytogenetic location: 17p13.1.
Variant type: single nucleotide variant.
Coding change: c.985C>T on transcript NM_017534.6 (MANE Select); coding-DNA position 985, C replaced by T.
Protein change: p.Gln329Ter; replaces glutamine 329 with a stop codon.
Molecular consequence: nonsense.
Genome position (GRCh38, 1-based): chr17:10,540,617, G>A on the plus strand (C>T on the coding strand, the complement: MYH2 is on the minus strand). VCF-style: chr17-10540617-G-A. GRCh37 (hg19) VCF-style: chr17-10443934-G-A.
Other names: c.985C>T, p.Gln329Ter (NM_001100112.2); short protein forms Q329*.
Identifiers: ClinVar variation 3377394 (VCV003377394.1).

ClinVar aggregate classification (germline): Pathogenic (1 of 4 stars; one submission).

Conditions:
Myopathy, proximal, and ophthalmoplegia (CMYO6). Also called: MYOPATHY WITH CONGENITAL JOINT CONTRACTURES, OPHTHALMOPLEGIA, AND RIMMED VACUOLES; CONGENITAL MYOPATHY 6 WITH OPHTHALMOPLEGIA; INCLUSION BODY MYOPATHY 3, AUTOSOMAL DOMINANT. Identifiers: Orphanet 363677, Orphanet 79091, MedGen C1854106, MONDO:0011577, OMIM 605637.

gnomAD v4.1: 8 of 1,613,074 alleles (0.0005%); highest among the groups gnomAD compares: South Asian, 0.0088%; no homozygotes.

Submission:

Victorian Clinical Genetics Services, Murdoch Childrens Research Institute
Classification: Pathogenic for Myopathy, proximal, and ophthalmoplegia. Last evaluated: 2022-03-31. Review status: criteria provided, single submitter. Criteria: ACMG Guidelines, 2015. Collection method: clinical testing. Allele origin: germline. Affected: yes.
Comment: Based on the classification scheme VCGS_Germline_v1.3.4, this variant is classified as Pathogenic. Following criteria are met: 0102 - Loss of function is a known mechanism of disease in this gene and is associated with autosomal recessive proximal myopathy and ophthalmoplegia (MIM#605637). Dominant negative is a suspected mechanism for dominant disease, however, more functional studies are required (PMID: 11114175, 20418530). (I) 0108 - This gene is associated with both recessive and dominant disease. Variants that result in a premature termination codon have been reported to cause recessive disease, while missense variants have been reported for both dominant and recessive disease (OMIM, PMID: 20418530). (I) 0201 - Variant is predicted to cause nonsense-mediated decay (NMD) and loss of protein (premature termination codon is located at least 54 nucleotides upstream of the final exon-exon junction). (SP) 0252 - This variant is homozygous. (I) 0304 - Variant is present in gnomAD (v2) <0.01 for a recessive condition (3 heterozygotes, 0 homozygotes). (SP) 0701 - Other NMD predicted variants comparable to the one identified in this case have very strong previous evidence for pathogenicity (ClinVar). (SP) 0807 - This variant has no previous evidence of pathogenicity. (I) 0905 - No published segregation evidence has been identified for this variant. (I) 1007 - No published functional evidence has been identified for this variant. (I) 1208 - Inheritance information for this variant is not currently available in this individual. (I) Legend: (SP) - Supporting pathogenic, (I) - Information, (SB) - Supporting benign

Literature cited by the submitters: PubMed 11114175; PubMed 20418530.